The following is an entry in ClinVar:

NM_000057.4(BLM):c.837A>T (p.Glu279Asp)

Gene: BLM (BLM RecQ like helicase; plus strand). Cytogenetic location: 15q26.1.
Variant type: single nucleotide variant.
Coding change: c.837A>T on transcript NM_000057.4 (MANE Select); coding-DNA position 837, A replaced by T.
Protein change: p.Glu279Asp; replaces glutamic acid 279 with aspartic acid.
Molecular consequence: missense variant. On other transcripts: 5 prime UTR variant (1).
Genome position (GRCh38, 1-based): chr15:90,751,824, A>T. VCF-style: chr15-90751824-A-T. GRCh37 (hg19) VCF-style: chr15-91295054-A-T.
Other names: c.-455A>T (NM_001287248.2); c.837A>T, p.Glu279Asp (NM_001287246.2, NM_001287247.2); short protein forms E279D.
Identifiers: ClinVar variation 2561114 (VCV002561114.5), dbSNP rs756158096, ClinGen allele CA393841698.

ClinVar aggregate classification (germline): Uncertain significance. Review status: criteria provided, multiple submitters, no conflicts (2 of 4 stars). 3 submissions from 3 submitters: Uncertain significance (3). Last evaluated 2024-10-01.

Conditions:
Hereditary cancer-predisposing syndrome. Also called: Neoplastic Syndromes, Hereditary; Hereditary Cancer Syndrome; Hereditary neoplastic syndrome; Tumor predisposition. Identifiers: Orphanet 140162, MedGen C0027672, MeSH D009386, MONDO:0015356.
Bloom syndrome (BLM). Also called: Bloom-Torre-Machacek syndrome. Identifiers: Orphanet 125, MedGen C0005859, MONDO:0008876, OMIM 210900.

Submissions (3):

Labcorp Genetics (formerly Invitae), Labcorp
Classification: Uncertain significance for Bloom syndrome. Last evaluated: 2024-10-01. Review status: criteria provided, single submitter. Criteria: Invitae Variant Classification Sherloc (09022015). Collection method: clinical testing. Allele origin: germline.
Comment: This sequence change replaces glutamic acid, which is acidic and polar, with aspartic acid, which is acidic and polar, at codon 279 of the BLM protein (p.Glu279Asp). This variant is not present in population databases (gnomAD no frequency). This variant has not been reported in the literature in individuals affected with BLM-related conditions. ClinVar contains an entry for this variant (Variation ID: 2561114). Invitae Evidence Modeling of protein sequence and biophysical properties (such as structural, functional, and spatial information, amino acid conservation, physicochemical variation, residue mobility, and thermodynamic stability) indicates that this missense variant is not expected to disrupt BLM protein function with a negative predictive value of 80%. In summary, the available evidence is currently insufficient to determine the role of this variant in disease. Therefore, it has been classified as a Variant of Uncertain Significance.

GeneDx
Classification: Uncertain significance. Last evaluated: 2024-04-23. Review status: criteria provided, single submitter. Criteria: GeneDx Variant Classification Process June 2021. Collection method: clinical testing. Allele origin: germline. Affected: yes.
Comment: Not observed at significant frequency in large population cohorts (gnomAD); In silico analysis indicates that this missense variant does not alter protein structure/function; Has not been previously published as pathogenic or benign to our knowledge

Ambry Genetics
Classification: Uncertain significance for Hereditary cancer-predisposing syndrome. Last evaluated: 2023-06-07. Review status: criteria provided, single submitter. Criteria: Ambry Variant Classification Scheme 2023. Collection method: clinical testing. Allele origin: germline.
Comment: The p.E279D variant (also known as c.837A>T), located in coding exon 3 of the BLM gene, results from an A to T substitution at nucleotide position 837. The glutamic acid at codon 279 is replaced by aspartic acid, an amino acid with highly similar properties. This amino acid position is conserved. In addition, this alteration is predicted to be tolerated by in silico analysis. Since supporting evidence is limited at this time, the clinical significance of this alteration remains unclear.